The following is an entry in ClinVar:

NM_001382347.1(MYO5A):c.4041-4G>A

Gene: MYO5A (myosin VA; minus strand). Cytogenetic location: 15q21.2.
Variant type: single nucleotide variant.
Coding change: c.4041-4G>A on transcript NM_001382347.1 (MANE Select); 4 bases into the intron before coding-DNA position 4041, G replaced by A.
Molecular consequence: intron variant.
Genome position (GRCh38, 1-based): chr15:52,340,398, C>T on the plus strand (G>A on the coding strand, the complement: MYO5A is on the minus strand). VCF-style: chr15-52340398-C-T. GRCh37 (hg19) VCF-style: chr15-52632595-C-T.
Other names: c.4113-4G>A (NM_001382349.1, NM_001382348.1); c.4041-4G>A (NM_000259.3); c.4032-4G>A (NM_001411135.1); c.3960-4G>A (NM_001142495.2).
Identifiers: ClinVar variation 2748884 (VCV002748884.5), dbSNP rs373327087, ClinGen allele CA7568206.

ClinVar aggregate classification (germline): Likely benign. Review status: criteria provided, single submitter (1 of 4 stars). 2 submissions from 2 submitters: Likely benign (1). 1 of the submissions does not count toward it. Last evaluated 2022-11-03.

Conditions:
MYO5A-related disorder. Also called: MYO5A-related condition.

Allele frequency attached by ClinVar (database versions not stated): ExAC 0.00008; ESP Exome Variant Server 0.00008.
gnomAD v4.1: 76 of 1,611,160 alleles (0.0047%); highest among the groups gnomAD compares: Admixed American, 0.033%; no homozygotes.

Submissions (2):

Labcorp Genetics (formerly Invitae), Labcorp
Classification: Likely benign. Last evaluated: 2022-11-03. Review status: criteria provided, single submitter. Criteria: Invitae Variant Classification Sherloc (09022015). Collection method: clinical testing. Allele origin: germline.

PreventionGenetics, part of Exact Sciences
Classification: Likely benign for MYO5A-related condition. Last evaluated: 2019-11-27. Review status: no assertion criteria provided. Collection method: clinical testing. Allele origin: germline. Not counted in ClinVar's aggregate classification.
Comment: This variant is classified as likely benign based on ACMG/AMP sequence variant interpretation guidelines (Richards et al. 2015 PMID: 25741868, with internal and published modifications).